The following is an entry in ClinVar:

ClinVar aggregate classification (germline): Conflicting classifications of pathogenicity. Review status: criteria provided, conflicting classifications (1 of 4 stars). 2 submissions from 2 submitters: Uncertain significance (1); Likely benign (1). Last evaluated 2024-11-05.

Conditions:
Hereditary cancer-predisposing syndrome. Also called: Tumor predisposition; Hereditary Cancer Syndrome; Neoplastic Syndromes, Hereditary; Hereditary neoplastic syndrome. Identifiers: Orphanet 140162, MedGen C0027672, MeSH D009386, MONDO:0015356.
Chuvash polycythemia. Also called: POLYCYTHEMIA, VHL-DEPENDENT. Identifiers: Orphanet 238557, MedGen C1837915, MONDO:0009892, OMIM 263400.
Von Hippel-Lindau syndrome (VHLS). Also called: VHL syndrome; von Hippel–Lindau syndrome; Von Hippel-Lindau. Identifiers: Orphanet 892, MedGen C0019562, MONDO:0008667, OMIM 193300. Disease mechanism: loss of function.

Submissions (2):

Labcorp Genetics (formerly Invitae), Labcorp
Classification: Uncertain significance for Von Hippel-Lindau syndrome; Chuvash polycythemia. Last evaluated: 2024-11-05. Review status: criteria provided, single submitter. Criteria: Invitae Variant Classification Sherloc (09022015). Collection method: clinical testing. Allele origin: germline.
Comment: This sequence change replaces glutamic acid, which is acidic and polar, with alanine, which is neutral and non-polar, at codon 6 of the VHL protein (p.Glu6Ala). This variant is not present in population databases (gnomAD no frequency). This variant has not been reported in the literature in individuals affected with VHL-related conditions. ClinVar contains an entry for this variant (Variation ID: 864304). Invitae Evidence Modeling of protein sequence and biophysical properties (such as structural, functional, and spatial information, amino acid conservation, physicochemical variation, residue mobility, and thermodynamic stability) indicates that this missense variant is not expected to disrupt VHL protein function with a negative predictive value of 95%. In summary, the available evidence is currently insufficient to determine the role of this variant in disease. Therefore, it has been classified as a Variant of Uncertain Significance.

Ambry Genetics
Classification: Likely benign for Hereditary cancer-predisposing syndrome. Last evaluated: 2024-07-29. Review status: criteria provided, single submitter. Criteria: Ambry Variant Classification Scheme 2023. Collection method: clinical testing. Allele origin: germline.

NM_000551.4(VHL):c.17A>C (p.Glu6Ala)

Gene: VHL (von Hippel-Lindau tumor suppressor; plus strand). Cytogenetic location: 3p25.3.
Variant type: single nucleotide variant.
Coding change: c.17A>C on transcript NM_000551.4 (MANE Select); coding-DNA position 17, A replaced by C.
Protein change: p.Glu6Ala; replaces glutamic acid 6 with alanine.
Molecular consequence: missense variant.
Genome position (GRCh38, 1-based): chr3:10,141,864, A>C. VCF-style: chr3-10141864-A-C. GRCh37 (hg19) VCF-style: chr3-10183548-A-C.
Other names: c.17A>C, p.Glu6Ala (NM_001354723.2, NM_198156.3); short protein forms E6A.
Identifiers: ClinVar variation 864304 (VCV000864304.11), dbSNP rs1696114029, ClinGen allele CA351747033.